The following is an entry in ClinVar:

ClinVar aggregate classification (germline): Uncertain significance (1 of 4 stars; one submission).

Submission:

GeneDx
Classification: Uncertain significance. Last evaluated: 2019-08-16. Review status: criteria provided, single submitter. Criteria: GeneDx Variant Classification Process June 2021. Collection method: clinical testing. Allele origin: germline. Affected: yes.
Comment: Not observed in large population cohorts (Lek et al., 2016); In silico analysis, which includes protein predictors and evolutionary conservation, supports that this variant does not alter protein structure/function; Has not been previously published as pathogenic or benign to our knowledge

NM_031407.7(HUWE1):c.2962A>G (p.Lys988Glu)

Gene: HUWE1 (HECT, UBA and WWE domain containing E3 ubiquitin protein ligase 1; minus strand). Cytogenetic location: Xp11.22.
Variant type: single nucleotide variant.
Coding change: c.2962A>G on transcript NM_031407.7 (MANE Select); coding-DNA position 2962, A replaced by G.
Protein change: p.Lys988Glu; replaces lysine 988 with glutamic acid.
Molecular consequence: missense variant.
Genome position (GRCh38, 1-based): chrX:53,602,573, T>C on the plus strand (A>G on the coding strand, the complement: HUWE1 is on the minus strand). VCF-style: chrX-53602573-T-C. GRCh37 (hg19) VCF-style: chrX-53629534-T-C.
Other names: short protein forms K988E.
Identifiers: ClinVar variation 1214604 (VCV001214604.3), dbSNP rs2148635382, ClinGen allele CA413180192.